The following is an entry in ClinVar:

ClinVar aggregate classification (germline): Conflicting classifications of pathogenicity. Review status: criteria provided, conflicting classifications (1 of 4 stars). 18 submissions from 18 submitters: Uncertain significance (2); Benign (1); Likely benign (11). 4 of the submissions do not count toward it. Last evaluated 2026-06-01.

Conditions:
CFTR-related disorder (CFTR-RD). Also called: CFTR-related disorders; CFTR-related condition. Identifiers: MedGen C5924204, MONDO:7770004.
Hereditary pancreatitis (PCTT). Also called: Hereditary chronic pancreatitis; PRSS1-Related Hereditary Pancreatitis. Identifiers: Orphanet 676, MedGen C0238339, MONDO:0008185, OMIM 167800.
Obstructive azoospermia. Identifiers: MedGen C4023106, HP:0011962.
Cystic fibrosis (CF). Also called: MUCOVISCIDOSIS. Identifiers: Orphanet 586, MedGen C0010674, MONDO:0009061, OMIM 219700. Disease mechanism: loss of function.

Allele frequency attached by ClinVar (database versions not stated): TOPMed 0.00053; gnomAD 0.00056 and 0.00058; ExAC 0.00057; 1000 Genomes Project 0.00060; gnomAD exomes 0.00061 and 0.00077; 1000 Genomes Project 30x 0.00078; ESP Exome Variant Server 0.00092.
gnomAD v4.1: 1,198 of 1,613,358 alleles (0.074%); highest among the groups gnomAD compares: Non-Finnish European, 0.094%; 1 homozygote.

Submissions (18):

CeGaT Center for Human Genetics Tuebingen
Classification: Likely benign. Last evaluated: 2026-06-01. Review status: criteria provided, single submitter. Criteria: CeGaT Center For Human Genetics Tuebingen Variant Classification Criteria Version 2. Collection method: clinical testing. Allele origin: germline. Affected: yes. Observed: 7 variant alleles.
Comment: CFTR: BP4, BP7

Labcorp Genetics (formerly Invitae), Labcorp
Classification: Likely benign for Cystic fibrosis. Last evaluated: 2026-02-01. Review status: criteria provided, single submitter. Criteria: Invitae Variant Classification Sherloc (09022015). Collection method: clinical testing. Allele origin: germline.

Quest Diagnostics Nichols Institute San Juan Capistrano
Classification: Likely benign. Last evaluated: 2025-10-01. Review status: criteria provided, single submitter. Criteria: Quest Diagnostics criteria. Collection method: clinical testing. Allele origin: unknown.

Mayo Clinic Laboratories, Mayo Clinic
Classification: Likely benign. Last evaluated: 2025-03-19. Review status: criteria provided, single submitter. Criteria: ACMG Guidelines, 2015. Collection method: clinical testing. Allele origin: germline. Observed: 9 variant alleles.
Comment: BP4, BP7

ARUP Laboratories, Molecular Genetics and Genomics, ARUP Laboratories
Classification: Benign. Last evaluated: 2024-12-12. Review status: criteria provided, single submitter. Criteria: ARUP Molecular Germline Variant Investigation Process 2024. Collection method: clinical testing. Allele origin: germline.

Blueprint Genetics
Classification: Likely benign. Last evaluated: 2024-11-19. Review status: criteria provided, single submitter. Criteria: ACMG Guidelines, 2015. Collection method: clinical testing. Allele origin: germline.

Institute of Reproductive Genetics, University of Münster
Classification: Likely benign for Obstructive azoospermia. Last evaluated: 2021-12-21. Review status: criteria provided, single submitter. Criteria: ACMG Guidelines, 2015. Collection method: clinical testing. Allele origin: germline. Affected: yes. Observed: 1 variant allele.

Genome-Nilou Lab
Classification: Likely benign for Cystic fibrosis. Last evaluated: 2021-07-22. Review status: criteria provided, single submitter. Criteria: ACMG Guidelines, 2015. Collection method: clinical testing. Allele origin: germline. Affected: no.

Sema4
Classification: Likely benign for Hereditary pancreatitis. Last evaluated: 2021-01-10. Review status: criteria provided, single submitter. Criteria: Sema4 Curation Guidelines. Collection method: curation. Allele origin: germline.

Eurofins Ntd Llc (ga)
Classification: Uncertain significance. Last evaluated: 2017-08-14. Review status: criteria provided, single submitter. Criteria: EGL Classification Definitions 2015. Collection method: clinical testing. Allele origin: germline. Observed: 8 variant alleles, 8 heterozygotes.

Illumina Laboratory Services, Illumina
Classification: Uncertain significance for CFTR-Related Disorders. Last evaluated: 2017-04-27. Review status: criteria provided, single submitter. Criteria: ICSL Variant Classification Criteria 13 December 2019. Collection method: clinical testing. Allele origin: germline.

Women's Health and Genetics/Laboratory Corporation of America, LabCorp
Classification: Likely benign. Last evaluated: 2016-04-20. Review status: criteria provided, single submitter. Criteria: LabCorp Variant Classification Summary - May 2015. Collection method: clinical testing. Allele origin: germline.
Comment: Variant summary: The variant affects a conserved nucleotide and results in a synonymous mutation. 5/5 in silico tools predict the variant not to have an impact on splicing while mutation taster predicts the variant to be disease causing. It was predominantly observed in the Non-Finnish European subcohort of the ExAC project at an allele frequency of 0.096% which does not exceed the maximal expected allele frequency of a disease causing CFTR allele (1.3%). It has been reported in patients with wide spectrum of CFTR-related disorders (CF, CBAVD, asthma and COPD) as well as in healthy population and often reported as polymorphism. In one CBAVD patient, this variant was found in cis with R764X (Pallares-Ruiz_1999). In addition, according to Bombieri, it does not lead to exon skipping, suggesting it is indeed not pathogenic. Considering all evidence, the variant was classified as Likely Benign.

Ambry Genetics
Classification: Likely benign for Cystic fibrosis. Last evaluated: 2015-04-30. Review status: criteria provided, single submitter. Criteria: Ambry Variant Classification Scheme 2023. Collection method: clinical testing. Allele origin: germline.

PreventionGenetics, part of Exact Sciences
Classification: Likely benign. Review status: criteria provided, single submitter. Criteria: ACMG Guidelines, 2015. Collection method: clinical testing. Allele origin: germline.

Natera, Inc.
Classification: Likely benign for Cystic Fibrosis. Last evaluated: 2020-06-11. Review status: no assertion criteria provided. Collection method: clinical testing. Allele origin: germline. Not counted in ClinVar's aggregate classification.

Molecular Genetics Laboratory, BC Children's and BC Women's Hospitals
Classification: Likely benign for Cystic Fibrosis. Last evaluated: 2020-02-28. Review status: no assertion criteria provided. Criteria: ACMG Guidelines, 2015. Collection method: clinical testing. Allele origin: germline. Affected: no. Not counted in ClinVar's aggregate classification.

Clinical Genetics DNA and cytogenetics Diagnostics Lab, Erasmus MC, Erasmus Medical Center
Classification: Likely benign. Review status: no assertion criteria provided. Collection method: clinical testing. Allele origin: germline. Affected: yes. Study: VKGL Data-share Consensus. Not counted in ClinVar's aggregate classification.

Joint Genome Diagnostic Labs from Nijmegen and Maastricht, Radboudumc and MUMC+
Classification: Likely benign. Review status: no assertion criteria provided. Collection method: clinical testing. Allele origin: germline. Affected: yes. Study: VKGL Data-share Consensus. Not counted in ClinVar's aggregate classification.

Literature cited by the submitters: PubMed 9921909 (cited by Quest Diagnostics Nichols Institute San Juan Capistrano and Women's Health and Genetics/Laboratory Corporation of America, LabCorp); PubMed 7689013 (cited by Quest Diagnostics Nichols Institute San Juan Capistrano and Women's Health and Genetics/Laboratory Corporation of America, LabCorp); PubMed 37628659 (cited by Quest Diagnostics Nichols Institute San Juan Capistrano and Mayo Clinic Laboratories, Mayo Clinic); PubMed 10746558 (cited by Quest Diagnostics Nichols Institute San Juan Capistrano and Women's Health and Genetics/Laboratory Corporation of America, LabCorp); PubMed 25735457 (cited by Quest Diagnostics Nichols Institute San Juan Capistrano and Women's Health and Genetics/Laboratory Corporation of America, LabCorp); PubMed 34782259 (cited by Quest Diagnostics Nichols Institute San Juan Capistrano and Mayo Clinic Laboratories, Mayo Clinic); PubMed 22591852 (cited by Quest Diagnostics Nichols Institute San Juan Capistrano); PubMed 10601093 (cited by Quest Diagnostics Nichols Institute San Juan Capistrano); PubMed 11303517 (cited by Quest Diagnostics Nichols Institute San Juan Capistrano and Women's Health and Genetics/Laboratory Corporation of America, LabCorp); PubMed 20021716 (cited by Women's Health and Genetics/Laboratory Corporation of America, LabCorp); PubMed 10571949 (cited by Women's Health and Genetics/Laboratory Corporation of America, LabCorp); PubMed 14963811 (cited by Women's Health and Genetics/Laboratory Corporation of America, LabCorp); PubMed 18687795 (cited by Women's Health and Genetics/Laboratory Corporation of America, LabCorp); PubMed 22664493 (cited by Women's Health and Genetics/Laboratory Corporation of America, LabCorp); PubMed 15536480 (cited by Women's Health and Genetics/Laboratory Corporation of America, LabCorp).

NM_000492.4(CFTR):c.2245C>T (p.Leu749=)

Gene: CFTR (CF transmembrane conductance regulator; plus strand). Cytogenetic location: 7q31.2.
Variant type: single nucleotide variant.
Coding change: c.2245C>T on transcript NM_000492.4 (MANE Select); coding-DNA position 2245, C replaced by T.
Protein change: p.Leu749=; no amino-acid change (leucine 749 retained).
Molecular consequence: synonymous variant.
Genome position (GRCh38, 1-based): chr7:117,592,412, C>T. VCF-style: chr7-117592412-C-T. GRCh37 (hg19) VCF-style: chr7-117232466-C-T.
Other names: p.Leu749=.
Identifiers: ClinVar variation 256251 (VCV000256251.77), dbSNP rs151235408, ClinGen allele CA4451158.